The following is an entry in ClinVar:

ClinVar aggregate classification (germline): Conflicting classifications of pathogenicity. Review status: criteria provided, conflicting classifications (1 of 4 stars). 2 submissions from 2 submitters: Uncertain significance (1); Likely benign (1). Last evaluated 2023-12-05.

Allele frequency attached by ClinVar (database versions not stated): TOPMed 0.00008; gnomAD exomes 0.00009; gnomAD 0.00011; 1000 Genomes Project 30x 0.00016; ExAC 0.00017.
gnomAD v4.1: 144 of 1,608,182 alleles (0.009%); highest among the groups gnomAD compares: Non-Finnish European, 0.011%; no homozygotes.

Submissions (2):

Ambry Genetics
Classification: Uncertain significance. Last evaluated: 2023-12-05. Review status: criteria provided, single submitter. Criteria: Ambry Variant Classification Scheme 2023. Collection method: clinical testing. Allele origin: germline.

CeGaT Center for Human Genetics Tuebingen
Classification: Likely benign. Last evaluated: 2022-09-01. Review status: criteria provided, single submitter. Criteria: CeGaT Center For Human Genetics Tuebingen Variant Classification Criteria Version 2. Collection method: clinical testing. Allele origin: germline. Affected: yes. Observed: 1 variant allele.
Comment: CARNS1: BP4

NM_001166222.2(CARNS1):c.911C>T (p.Pro304Leu)

Gene: CARNS1 (carnosine synthase 1; plus strand). Cytogenetic location: 11q13.2.
Variant type: single nucleotide variant.
Coding change: c.911C>T on transcript NM_001166222.2 (MANE Select); coding-DNA position 911, C replaced by T.
Protein change: p.Pro304Leu; replaces proline 304 with leucine.
Molecular consequence: missense variant.
Genome position (GRCh38, 1-based): chr11:67,419,545, C>T. VCF-style: chr11-67419545-C-T. GRCh37 (hg19) VCF-style: chr11-67187016-C-T.
Other names: c.821C>T, p.Pro274Leu (NM_001394577.1); c.542C>T, p.Pro181Leu (NM_001394578.1, NM_001394579.1, NM_020811.2); c.911C>T (NM_001166222.1); short protein forms P181L, P274L, P304L.
Identifiers: ClinVar variation 2642016 (VCV002642016.25), dbSNP rs746941221, ClinGen allele CA6137713.